The following is an entry in ClinVar:

NC_000010.10:g.(?_121411188)_(121436794_?)dup

Gene: BAG3 (BAG cochaperone 3; plus strand). Cytogenetic location: 10q26.11.
Variant type: Duplication.
Identifiers: ClinVar variation 3244899 (VCV003244899.1).

ClinVar aggregate classification (germline): Uncertain significance (1 of 4 stars; one submission).

Conditions:
Myofibrillar myopathy 6. Identifiers: Orphanet 199340, MedGen C2751831, MONDO:0013061, OMIM 612954.
Dilated cardiomyopathy 1HH (CMD1HH). Identifiers: Orphanet 154, MedGen C3151293, MONDO:0013479, OMIM 613881.

Submission:

Labcorp Genetics (formerly Invitae), Labcorp
Classification: Uncertain significance for Dilated cardiomyopathy 1HH; Myofibrillar myopathy 6. Last evaluated: 2023-10-15. Review status: criteria provided, single submitter. Criteria: Invitae Variant Classification Sherloc (09022015). Collection method: clinical testing. Allele origin: unknown.
Comment: A copy number gain of the genomic region encompassing the full coding sequence of the BAG3 gene has been identified. The boundaries of this event are unknown as they extend beyond the assayed region for this gene and therefore may encompass additional genes. As the precise location of this event is unknown, it may be in tandem or it may be located elsewhere in the genome. This variant has not been reported in the literature in individuals affected with BAG3-related conditions. In summary, the available evidence is currently insufficient to determine the role of this variant in disease. Therefore, it has been classified as a Variant of Uncertain Significance.